The following is an entry in ClinVar:

NM_005050.4(ABCD4):c.669-11_669-8del

Gene: ABCD4 (ATP binding cassette subfamily D member 4; minus strand). Cytogenetic location: 14q24.3.
Variant type: Deletion.
Coding change: c.669-11_669-8del on transcript NM_005050.4 (MANE Select); 11 bases into the intron before coding-DNA position 669 through 8 bases into the intron before coding-DNA position 669, 4 bases deleted (GGTC; older notation c.669-11_669-8delGGTC).
Molecular consequence: intron variant.
Genome position (GRCh38, 1-based): chr14:74,295,206-74,295,209, GACC deleted on the plus strand (GGTC on the coding strand, the reverse complement: ABCD4 is on the minus strand). VCF-style (leftmost placement, unchanged base first): chr14-74295205-GGACC-G. GRCh37 (hg19) VCF-style: chr14-74761908-GGACC-G.
Other names: c.-26-11_-26-8del (NM_001353607.2, NM_001353604.2, NM_001353603.2 and 6 more transcripts); c.192-11_192-8del (NM_001353598.2, NM_001353601.2, NM_001353600.2 and 2 more transcripts); c.407+645_407+648del (NM_001353594.2); c.408-11_408-8del (NM_001353593.2); c.254+645_254+648del (NM_001353597.2); c.255-11_255-8del (NM_001353596.2, NM_001353595.2); c.543-11_543-8del (NM_001353591.2, NM_001353592.2); c.669-11_669-8del (NM_020325.3, NM_005050.3).
Identifiers: ClinVar variation 422145 (VCV000422145.13), dbSNP rs373949463, ClinGen allele CA7267113.

ClinVar aggregate classification (germline): Benign. Review status: criteria provided, multiple submitters, no conflicts (2 of 4 stars). 3 submissions from 3 submitters: Benign (2). 1 of the submissions does not count toward it. Last evaluated 2026-02-01.

Conditions:
ABCD4-related disorder. Also called: ABCD4-related condition.
Methylmalonic acidemia with homocystinuria, type cblJ (MAHCJ). Also called: METHYLMALONIC ACIDURIA AND HOMOCYSTINURIA, cblJ TYPE. Identifiers: Orphanet 369955, MedGen C3553915, MONDO:0013925, OMIM 614857.

Allele frequency attached by ClinVar (database versions not stated): ESP Exome Variant Server 0.00016; gnomAD 0.00026 and 0.00077; TOPMed 0.00037; gnomAD exomes 0.00137 and 0.00246; 1000 Genomes Project 0.00240; ExAC 0.00261; 1000 Genomes Project 30x 0.00297.

Submissions (3):

Labcorp Genetics (formerly Invitae), Labcorp
Classification: Benign for Methylmalonic acidemia with homocystinuria, type cblJ. Last evaluated: 2026-02-01. Review status: criteria provided, single submitter. Criteria: Invitae Variant Classification Sherloc (09022015). Collection method: clinical testing. Allele origin: germline.

GeneDx
Classification: Benign. Last evaluated: 2016-11-29. Review status: criteria provided, single submitter. Criteria: GeneDx Variant Classification (06012015). Collection method: clinical testing. Allele origin: germline. Affected: yes.
Comment: This variant is considered likely benign or benign based on one or more of the following criteria: it is a conservative change, it occurs at a poorly conserved position in the protein, it is predicted to be benign by multiple in silico algorithms, and/or has population frequency not consistent with disease.

PreventionGenetics, part of Exact Sciences
Classification: Benign for ABCD4-related condition. Last evaluated: 2019-04-26. Review status: no assertion criteria provided. Collection method: clinical testing. Allele origin: germline. Not counted in ClinVar's aggregate classification.
Comment: This variant is classified as benign based on ACMG/AMP sequence variant interpretation guidelines (Richards et al. 2015 PMID: 25741868, with internal and published modifications).